The following is an entry in ClinVar:

ClinVar aggregate classification (germline): Benign (1 of 4 stars; one submission).

Conditions:
Melanoma, cutaneous malignant, susceptibility to, 3. Also called: Cutaneous malignant melanoma 3. Identifiers: Orphanet 618, MedGen C1836892, MONDO:0012183, OMIM 609048.

Submission:

Myriad Genetics, Inc.
Classification: Benign for Melanoma, cutaneous malignant, susceptibility to, 3. Last evaluated: 2024-09-24. Review status: criteria provided, single submitter. Criteria: Myriad Autosomal Dominant, Autosomal Recessive and X-Linked Classification Criteria (2023). Collection method: clinical testing. Allele origin: unknown.
Comment: This variant is considered benign. This variant is a silent/synonymous amino acid change and it is not expected to impact splicing.

NM_000075.4(CDK4):c.75T>C (p.Asp25=)

Gene: CDK4 (cyclin dependent kinase 4; minus strand). Cytogenetic location: 12q14.1.
Variant type: single nucleotide variant.
Coding change: c.75T>C on transcript NM_000075.4 (MANE Select); coding-DNA position 75, T replaced by C.
Protein change: p.Asp25=; no amino-acid change (aspartic acid 25 retained).
Molecular consequence: synonymous variant.
Genome position (GRCh38, 1-based): chr12:57,751,643, A>G on the plus strand (T>C on the coding strand, the complement: CDK4 is on the minus strand). VCF-style: chr12-57751643-A-G. GRCh37 (hg19) VCF-style: chr12-58145426-A-G.
Identifiers: ClinVar variation 3379348 (VCV003379348.1).